The following is an entry in ClinVar:

NM_000525.4(KCNJ11):c.*546G>A

Gene: KCNJ11 (potassium inwardly rectifying channel subfamily J member 11; minus strand). Cytogenetic location: 11p15.1.
Variant type: single nucleotide variant.
Coding change: c.*546G>A on transcript NM_000525.4 (MANE Select); 546 bases downstream of the stop codon, G replaced by A.
Molecular consequence: 3 prime UTR variant.
Genome position (GRCh38, 1-based): chr11:17,386,373, C>T on the plus strand (G>A on the coding strand, the complement: KCNJ11 is on the minus strand). VCF-style: chr11-17386373-C-T. GRCh37 (hg19) VCF-style: chr11-17407920-C-T.
Other names: c.*546G>A (NM_001166290.2, NM_001377296.1, NM_001377297.1).
Identifiers: ClinVar variation 303719 (VCV000303719.6), dbSNP rs886048037, ClinGen allele CA10630455.
Genomic context (GRCh38, chr11:17,386,373, plus strand): 5'-CTTCCCCTGCTTCCTCCCCTTCCAGACCTGAAACTGGCCCTCGGAGGGGAGCCCTGTCAG[C>T]CCCAGGCTGTCCCTGCCGGTGTAGGCTCCACAGCACCAACCCTCCAGCGGGAACACCCTC-3'

ClinVar aggregate classification (germline): Uncertain significance. Review status: criteria provided, multiple submitters, no conflicts (2 of 4 stars). 4 submissions from 2 submitters: Uncertain significance (4). Last evaluated 2018-01-13.

Conditions:
Maturity-onset diabetes of the young type 13. Also called: MODY, TYPE 13. Identifiers: Orphanet 552, MedGen C4225365, MONDO:0014589, OMIM 616329.
Maturity-onset diabetes of the young (MODY). Also called: Maturity onset diabetes mellitus in young. Identifiers: Orphanet 552, MedGen C0342276, MONDO:0018911, HP:0004904.
Diabetes mellitus, transient neonatal, 3 (TNDM3). Identifiers: Orphanet 99886, MedGen C1864623, MONDO:0012522, OMIM 610582. Disease mechanism: loss of function.
Hyperinsulinemic hypoglycemia, familial, 2. Also called: HYPERINSULINEMIC HYPOGLYCEMIA, PERSISTENT; HYPERINSULINISM, NEONATAL. Identifiers: Orphanet 276580, Orphanet 276603, MedGen C2931833, MONDO:0011153, OMIM 601820. Disease mechanism: loss of function.

Allele frequency attached by ClinVar (database versions not stated): gnomAD 0.00014 and 0.00016; TOPMed 0.00017.

Submissions (4):

Illumina Laboratory Services, Illumina
Classification: Uncertain significance for Hyperinsulinemic hypoglycemia, familial, 2. Last evaluated: 2018-01-13. Review status: criteria provided, single submitter. Criteria: ICSL Variant Classification Criteria 13 December 2019. Collection method: clinical testing. Allele origin: germline.

Illumina Laboratory Services, Illumina
Classification: Uncertain significance for Maturity-onset diabetes of the young type 13. Last evaluated: 2018-01-13. Review status: criteria provided, single submitter. Criteria: ICSL Variant Classification Criteria 13 December 2019. Collection method: clinical testing. Allele origin: germline.

Illumina Laboratory Services, Illumina
Classification: Uncertain significance for Diabetes mellitus, transient neonatal, 3. Last evaluated: 2018-01-13. Review status: criteria provided, single submitter. Criteria: ICSL Variant Classification Criteria 13 December 2019. Collection method: clinical testing. Allele origin: germline.

Clinical Genomics, Uppaluri K&H Personalized Medicine Clinic
Classification: Uncertain significance for Maturity-onset diabetes of the young. Review status: criteria provided, single submitter. Criteria: K & H Uppaluri Personalized Medicine Clinic Variant Classification & Assertion Criteria_Updated V.1. Collection method: research. Allele origin: unknown. Inheritance: Autosomal dominant inheritance.
Comment: Mutations in KCNJ11 gene can cause decreased production and secretion of insulin. This can lead to MODY which may be responsive to oral sulfonylureas. It is also associated with Neonatal Diabetes. However, no sufficient evidence is found to ascertain the role of this particular variant (rs886048037) in MODY yet.

Literature cited by the submitters: PubMed 26448950 (cited by Clinical Genomics, Uppaluri K&H Personalized Medicine Clinic); PubMed 15580558 (cited by Clinical Genomics, Uppaluri K&H Personalized Medicine Clinic); PubMed 15718250 (cited by Clinical Genomics, Uppaluri K&H Personalized Medicine Clinic); PubMed 32935446 (cited by Clinical Genomics, Uppaluri K&H Personalized Medicine Clinic); PubMed 22701567 (cited by Clinical Genomics, Uppaluri K&H Personalized Medicine Clinic).